The following is an entry in ClinVar:

NM_000038.6(APC):c.136-17T>C

Gene: APC (APC regulator of Wnt signaling pathway; plus strand). Cytogenetic location: 5q22.2.
Variant type: single nucleotide variant.
Coding change: c.136-17T>C on transcript NM_000038.6 (MANE Select); 17 bases into the intron before coding-DNA position 136, T replaced by C.
Molecular consequence: intron variant.
Genome position (GRCh38, 1-based): chr5:112,766,309, T>C. VCF-style: chr5-112766309-T-C. GRCh37 (hg19) VCF-style: chr5-112102006-T-C.
Other names: c.166-17T>C (NM_001127511.3, NM_001354897.2, NM_001354902.2); c.136-17T>C (NM_001127510.3, NM_001354895.2, NM_001354896.2 and 2 more transcripts); c.61-17T>C (NM_001354898.2, NM_001354904.2); c.-900-17T>C (NM_001354906.2); c.-42-17T>C (NM_001354900.2, NM_001354901.2, NM_001354905.2).
Identifiers: ClinVar variation 2042042 (VCV002042042.5), dbSNP rs2532269610, ClinGen allele CA2580072234.

ClinVar aggregate classification (germline): Likely benign. Review status: criteria provided, multiple submitters, no conflicts (2 of 4 stars). 2 submissions from 2 submitters: Likely benign (2). Last evaluated 2025-12-20.

Conditions:
Familial adenomatous polyposis 1 (FAP1). Also called: FAMILIAL ADENOMATOUS POLYPOSIS 1, ATTENUATED; POLYPOSIS, ADENOMATOUS INTESTINAL. Identifiers: MedGen C2713442, MONDO:0021056, OMIM 175100. Disease mechanism: loss of function.

Submissions (2):

Labcorp Genetics (formerly Invitae), Labcorp
Classification: Likely benign for Familial adenomatous polyposis 1. Last evaluated: 2025-12-20. Review status: criteria provided, single submitter. Criteria: Invitae Variant Classification Sherloc (09022015). Collection method: clinical testing. Allele origin: germline.

Myriad Genetics, Inc.
Classification: Likely benign for Familial adenomatous polyposis 1. Last evaluated: 2024-02-22. Review status: criteria provided, single submitter. Criteria: Myriad Autosomal Dominant, Autosomal Recessive and X-Linked Classification Criteria (2023). Collection method: clinical testing. Allele origin: unknown.
Comment: This variant is considered likely benign. This variant is intronic and is not expected to impact mRNA splicing.